The following is an entry in ClinVar:

NM_025000.4(DCAF17):c.81G>A (p.Val27=)

Genes: METTL8 (methyltransferase 8, tRNA N3-cytidine; minus strand), DCAF17 (DDB1 and CUL4 associated factor 17; plus strand). Cytogenetic location: 2q31.1.
Variant type: single nucleotide variant.
Coding change: c.81G>A on transcript NM_025000.4 (MANE Select); coding-DNA position 81, G replaced by A.
Protein change: p.Val27=; no amino-acid change (valine 27 retained).
Molecular consequence: synonymous variant. On other transcripts: non-coding transcript variant (1), intron variant (4).
Genome position (GRCh38, 1-based): chr2:171,434,658, G>A. VCF-style: chr2-171434658-G-A. GRCh37 (hg19) VCF-style: chr2-172291168-G-A.
Other names: c.81G>A, p.Val27= (NM_001164821.2); c.8+16C>T (NM_001321161.2, NM_001321158.2, NM_001321157.2); c.-13+16C>T (NM_024770.5).
Identifiers: ClinVar variation 2908460 (VCV002908460.16), dbSNP rs781372214, ClinGen allele CA1964542.

ClinVar aggregate classification (germline): Likely benign. Review status: criteria provided, multiple submitters, no conflicts (2 of 4 stars). 2 submissions from 2 submitters: Likely benign (2). Last evaluated 2025-06-06.

Conditions:
Woodhouse-Sakati syndrome. Also called: Hypogonadism, Alopecia, Diabetes Mellitus, Mental Retardation, and Extrapyramidal Syndrome; Hypogonadism, diabetes mellitus, alopecia, mental retardation and electrocardiographic abnormalities; EXTRAPYRAMIDAL DISORDER, PROGRESSIVE, WITH PRIMARY HYPOGONADISM, MENTAL RETARDATION, AND ALOPECIA. Identifiers: Orphanet 3464, MedGen C0342286, MONDO:0009419, OMIM 241080.

Allele frequency attached by ClinVar (database versions not stated): gnomAD exomes 0.00005; gnomAD 0.00004; TOPMed below 0.00001; ExAC 0.00064.
gnomAD v4.1: 67 of 1,531,520 alleles (0.0044%); highest among the groups gnomAD compares: South Asian, 0.079%; no homozygotes.

Submissions (2):

Labcorp Genetics (formerly Invitae), Labcorp
Classification: Likely benign for Woodhouse-Sakati syndrome. Last evaluated: 2025-06-06. Review status: criteria provided, single submitter. Criteria: Invitae Variant Classification Sherloc (09022015). Collection method: clinical testing. Allele origin: germline.

CeGaT Center for Human Genetics Tuebingen
Classification: Likely benign. Last evaluated: 2024-10-01. Review status: criteria provided, single submitter. Criteria: CeGaT Center For Human Genetics Tuebingen Variant Classification Criteria Version 2. Collection method: clinical testing. Allele origin: germline. Affected: yes. Observed: 1 variant allele.
Comment: DCAF17: BP4, BP7